The following is an entry in ClinVar:

NM_024422.6(DSC2):c.715A>G (p.Asn239Asp)

Gene: DSC2 (desmocollin 2; minus strand). Cytogenetic location: 18q12.1.
Variant type: single nucleotide variant.
Coding change: c.715A>G on transcript NM_024422.6 (MANE Select); coding-DNA position 715, A replaced by G.
Protein change: p.Asn239Asp; replaces asparagine 239 with aspartic acid.
Molecular consequence: missense variant.
Genome position (GRCh38, 1-based): chr18:31,087,729, T>C on the plus strand (A>G on the coding strand, the complement: DSC2 is on the minus strand). VCF-style: chr18-31087729-T-C. GRCh37 (hg19) VCF-style: chr18-28667692-T-C.
Other names: c.715A>G, p.Asn239Asp (NM_004949.5); short protein forms N239D.
Identifiers: ClinVar variation 1310102 (VCV001310102.9), dbSNP rs774551962, ClinGen allele CA8924798.

ClinVar aggregate classification (germline): Uncertain significance. Review status: criteria provided, multiple submitters, no conflicts (2 of 4 stars). 2 submissions from 2 submitters: Uncertain significance (2). Last evaluated 2020-11-14.

Conditions:
Arrhythmogenic right ventricular dysplasia 11. Also called: Arrhythmogenic right ventricular dysplasia 11 with mild palmoplantar keratoderma and woolly hair; Arrhythmogenic Right Ventricular Dysplasia/Cardiomyopathy11; ARRHYTHMOGENIC RIGHT VENTRICULAR DYSPLASIA, FAMILIAL, 11. Identifiers: MedGen C1864850, MONDO:0012506, OMIM 610476.

Allele frequency attached by ClinVar (database versions not stated): TOPMed below 0.00001; ExAC 0.00001; gnomAD exomes below 0.00001.

Submissions (2):

Labcorp Genetics (formerly Invitae), Labcorp
Classification: Uncertain significance for Arrhythmogenic right ventricular dysplasia 11. Last evaluated: 2020-11-14. Review status: criteria provided, single submitter. Criteria: Invitae Variant Classification Sherloc (09022015). Collection method: clinical testing. Allele origin: germline.
Comment: This sequence change replaces asparagine with aspartic acid at codon 239 of the DSC2 protein (p.Asn239Asp). The asparagine residue is highly conserved and there is a small physicochemical difference between asparagine and aspartic acid. In summary, the available evidence is currently insufficient to determine the role of this variant in disease. Therefore, it has been classified as a Variant of Uncertain Significance. Algorithms developed to predict the effect of missense changes on protein structure and function are either unavailable or do not agree on the potential impact of this missense change (SIFT: "Deleterious"; PolyPhen-2: "Probably Damaging"; Align-GVGD: "Class C15"). This variant has not been reported in the literature in individuals with DSC2-related conditions. This variant is present in population databases (rs774551962, ExAC 0.002%).

GeneDx
Classification: Uncertain significance. Last evaluated: 2019-11-11. Review status: criteria provided, single submitter. Criteria: GeneDx Variant Classification Process June 2021. Collection method: clinical testing. Allele origin: germline. Affected: yes.
Comment: Has not been previously published as pathogenic or benign to our knowledge; Not observed at a significant frequency in large population cohorts (Lek et al., 2016); In silico analysis, which includes protein predictors and evolutionary conservation, supports a deleterious effect